The following is an entry in ClinVar:

NM_000548.5(TSC2):c.1790A>T (p.His597Leu)

Gene: TSC2 (TSC complex subunit 2; plus strand). Cytogenetic location: 16p13.3.
Variant type: single nucleotide variant.
Coding change: c.1790A>T on transcript NM_000548.5 (MANE Select); coding-DNA position 1790, A replaced by T.
Protein change: p.His597Leu; replaces histidine 597 with leucine.
Molecular consequence: missense variant.
Genome position (GRCh38, 1-based): chr16:2,070,529, A>T. VCF-style: chr16-2070529-A-T. GRCh37 (hg19) VCF-style: chr16-2120530-A-T.
Other names: c.1790A>T, p.His597Leu (NM_001077183.3, NM_001114382.3, NM_001363528.2 and 3 more transcripts); c.1679A>T, p.His560Leu (NM_001318827.2); c.1643A>T, p.His548Leu (NM_001318829.2); c.1190A>T, p.His397Leu (NM_001318831.2); c.1823A>T, p.His608Leu (NM_001318832.2); short protein forms H397L, H548L, H560L, H608L, H597L.
Identifiers: ClinVar variation 945750 (VCV000945750.13), dbSNP rs137854322, ClinGen allele CA394272927.
Genomic context (GRCh38, chr16:2,070,529, plus strand): 5'-CCCTGCCTGCAAGCCACGCCACGCGTGTGTATGAGATGCTGGTCAGCCACATTCAGCTCC[A>T]CTACAAGCACAGCTACACCCTGCCAATCGCGAGCAGCATCCGGCTGCAGGTATGGTGGCT-3'
Protein context (NP_000539.2, residues 587-607): YEMLVSHIQL[His597Leu]YKHSYTLPIA

ClinVar aggregate classification (germline): Uncertain significance. Review status: criteria provided, multiple submitters, no conflicts (2 of 4 stars). 2 submissions from 2 submitters: Uncertain significance (2). Last evaluated 2026-07-06.

Conditions:
Tuberous sclerosis 2 (TSC2). Identifiers: Orphanet 805, MedGen C1860707, MONDO:0013199, OMIM 613254.
Hereditary cancer-predisposing syndrome. Also called: Neoplastic Syndromes, Hereditary; Hereditary Cancer Syndrome; Tumor predisposition; Hereditary neoplastic syndrome. Identifiers: Orphanet 140162, MedGen C0027672, MeSH D009386, MONDO:0015356.

Submissions (2):

Ambry Genetics
Classification: Uncertain significance for Hereditary cancer-predisposing syndrome. Last evaluated: 2026-07-06. Review status: criteria provided, single submitter. Criteria: Ambry Variant Classification Scheme 2023. Collection method: clinical testing. Allele origin: germline.
Comment: The p.H597L variant (also known as c.1790A>T), located in coding exon 16 of the TSC2 gene, results from an A to T substitution at nucleotide position 1790. The histidine at codon 597 is replaced by leucine, an amino acid with similar properties. This amino acid position is highly conserved in available vertebrate species. In addition, this alteration is predicted to be deleterious by in silico analysis. Based on the available evidence, the clinical significance of this variant remains unclear.

Labcorp Genetics (formerly Invitae), Labcorp
Classification: Uncertain significance for Tuberous sclerosis 2. Last evaluated: 2019-05-18. Review status: criteria provided, single submitter. Criteria: Invitae Variant Classification Sherloc (09022015). Collection method: clinical testing. Allele origin: germline.
Comment: This variant is not present in population databases (ExAC no frequency). This sequence change replaces histidine with leucine at codon 597 of the TSC2 protein (p.His597Leu). The histidine residue is highly conserved and there is a moderate physicochemical difference between histidine and leucine. This variant has been reported in individuals in the Leiden Open-source Variation Database (PMID: 21520333). In summary, the available evidence is currently insufficient to determine the role of this variant in disease. Therefore, it has been classified as a Variant of Uncertain Significance. Algorithms developed to predict the effect of missense changes on protein structure and function (SIFT, PolyPhen-2, Align-GVGD) all suggest that this variant is likely to be disruptive, but these predictions have not been confirmed by published functional studies and their clinical significance is uncertain.

Literature cited by the submitters: PubMed 21520333 (cited by Labcorp Genetics (formerly Invitae), Labcorp).